The following is an entry in ClinVar:

ClinVar aggregate classification (germline): Benign/Likely benign. Review status: criteria provided, multiple submitters, no conflicts (2 of 4 stars). 3 submissions from 3 submitters: Benign (1); Likely benign (2). Last evaluated 2025-08-18.

Conditions:
Hereditary cancer-predisposing syndrome. Also called: Neoplastic Syndromes, Hereditary; Hereditary neoplastic syndrome; Hereditary Cancer Syndrome; Tumor predisposition. Identifiers: Orphanet 140162, MedGen C0027672, MeSH D009386, MONDO:0015356.
Multiple endocrine neoplasia, type 1 (MEN1). Also called: MEA I; MEN I; WERMER SYNDROME; Endocrine adenomatosis multiple; MEN 1. Identifiers: Orphanet 652, MedGen C0025267, MeSH D018761, MONDO:0007540, OMIM 131100.

Allele frequency attached by ClinVar (database versions not stated): gnomAD exomes below 0.00001; ExAC 0.00001.
gnomAD v4.1: 2 of 1,614,184 alleles (0.00012%); highest among the groups gnomAD compares: Non-Finnish European, 0.000085%; no homozygotes.

Submissions (3):

Labcorp Genetics (formerly Invitae), Labcorp
Classification: Likely benign for Multiple endocrine neoplasia, type 1. Last evaluated: 2025-08-18. Review status: criteria provided, single submitter. Criteria: Invitae Variant Classification Sherloc (09022015). Collection method: clinical testing. Allele origin: germline.

Ambry Genetics
Classification: Likely benign for Hereditary cancer-predisposing syndrome. Last evaluated: 2025-05-23. Review status: criteria provided, single submitter. Criteria: Ambry Variant Classification Scheme 2023. Collection method: clinical testing. Allele origin: germline.

Myriad Genetics, Inc.
Classification: Benign for Multiple endocrine neoplasia, type 1. Last evaluated: 2024-11-01. Review status: criteria provided, single submitter. Criteria: Myriad Autosomal Dominant, Autosomal Recessive and X-Linked Classification Criteria (2023). Collection method: clinical testing. Allele origin: unknown.
Comment: This variant is considered benign. This variant is a silent/synonymous amino acid change and it is not expected to impact splicing.

NM_001370259.2(MEN1):c.420C>T (p.Ile140=)

Gene: MEN1 (menin 1; minus strand). Cytogenetic location: 11q13.1.
Variant type: single nucleotide variant.
Coding change: c.420C>T on transcript NM_001370259.2 (MANE Select); coding-DNA position 420, C replaced by T.
Protein change: p.Ile140=; no amino-acid change (isoleucine 140 retained).
Molecular consequence: synonymous variant. On other transcripts: non-coding transcript variant (4).
Genome position (GRCh38, 1-based): chr11:64,809,690, G>A on the plus strand (C>T on the coding strand, the complement: MEN1 is on the minus strand). VCF-style: chr11-64809690-G-A. GRCh37 (hg19) VCF-style: chr11-64577162-G-A.
Other names: c.420C>T, p.Ile140= (NM_000244.4, NM_001370251.2, NM_001370260.2 and 20 more transcripts).
Identifiers: ClinVar variation 2168222 (VCV002168222.6), dbSNP rs778299878, ClinGen allele CA061125.